The following is an entry in ClinVar:

ClinVar aggregate classification (germline): Uncertain significance (1 of 4 stars; one submission).

Allele frequency attached by ClinVar (database versions not stated): gnomAD exomes below 0.00001.
gnomAD v4.1: 7 of 1,614,082 alleles (0.00043%); highest among the groups gnomAD compares: Admixed American, 0.0017%; no homozygotes.

Submission:

Labcorp Genetics (formerly Invitae), Labcorp
Classification: Uncertain significance. Last evaluated: 2022-10-17. Review status: criteria provided, single submitter. Criteria: Invitae Variant Classification Sherloc (09022015). Collection method: clinical testing. Allele origin: germline.
Comment: This sequence change replaces glutamic acid, which is acidic and polar, with lysine, which is basic and polar, at codon 79 of the COX6B1 protein (p.Glu79Lys). This variant is not present in population databases (gnomAD no frequency). This variant has not been reported in the literature in individuals affected with COX6B1-related conditions. Algorithms developed to predict the effect of missense changes on protein structure and function (SIFT, PolyPhen-2, Align-GVGD) all suggest that this variant is likely to be tolerated. In summary, the available evidence is currently insufficient to determine the role of this variant in disease. Therefore, it has been classified as a Variant of Uncertain Significance.

NM_001863.5(COX6B1):c.235G>A (p.Glu79Lys)

Gene: COX6B1 (cytochrome c oxidase subunit 6B1; plus strand). Cytogenetic location: 19q13.12.
Variant type: single nucleotide variant.
Coding change: c.235G>A on transcript NM_001863.5 (MANE Select); coding-DNA position 235, G replaced by A.
Protein change: p.Glu79Lys; replaces glutamic acid 79 with lysine.
Molecular consequence: missense variant.
Genome position (GRCh38, 1-based): chr19:35,658,621, G>A. VCF-style: chr19-35658621-G-A. GRCh37 (hg19) VCF-style: chr19-36149523-G-A.
Other names: short protein forms E79K.
Identifiers: ClinVar variation 2037384 (VCV002037384.1), dbSNP rs990790426, ClinGen allele CA307781671.